The following is an entry in ClinVar:

NM_000179.3(MSH6):c.2589A>T (p.Glu863Asp)

Gene: MSH6 (mutS homolog 6; plus strand). Cytogenetic location: 2p16.3.
Variant type: single nucleotide variant.
Coding change: c.2589A>T on transcript NM_000179.3 (MANE Select); coding-DNA position 2589, A replaced by T.
Protein change: p.Glu863Asp; replaces glutamic acid 863 with aspartic acid.
Molecular consequence: missense variant. On other transcripts: non-coding transcript variant (5), intron variant (3).
Genome position (GRCh38, 1-based): chr2:47,800,572, A>T. VCF-style: chr2-47800572-A-T. GRCh37 (hg19) VCF-style: chr2-48027711-A-T.
Other names: c.2292A>T, p.Glu764Asp (NM_001406828.1, NM_001406830.1, NM_001406797.1 and 10 more transcripts); c.1683A>T, p.Glu561Asp (NM_001406829.1, NM_001406811.1, NM_001406812.1 and 6 more transcripts); c.2064A>T, p.Glu688Asp (NM_001406807.1, NM_001406799.1, NM_001406806.1); c.2589A>T, p.Glu863Asp (NM_001406808.1, NM_001406809.1, NM_001406796.1 and 2 more transcripts); c.2595A>T, p.Glu865Asp (NM_001406813.1); c.2308+281A>T (NM_001406803.1); c.1606+983A>T (NM_001406817.1); c.628-94A>T (NM_001407362.1); and 4 more; short protein forms E688D, E895D, E561D, E837D, E764D, E863D, E865D, E733D.
Identifiers: ClinVar variation 3633953 (VCV003633953.2).

ClinVar aggregate classification (germline): Uncertain significance (1 of 4 stars; one submission).

Conditions:
Hereditary nonpolyposis colorectal neoplasms. Identifiers: MedGen C0009405, MeSH D003123.

Submission:

Labcorp Genetics (formerly Invitae), Labcorp
Classification: Uncertain significance for Hereditary nonpolyposis colorectal neoplasms. Last evaluated: 2024-05-19. Review status: criteria provided, single submitter. Criteria: Invitae Variant Classification Sherloc (09022015). Collection method: clinical testing. Allele origin: germline.
Comment: This sequence change replaces glutamic acid, which is acidic and polar, with aspartic acid, which is acidic and polar, at codon 863 of the MSH6 protein (p.Glu863Asp). This variant is not present in population databases (gnomAD no frequency). This variant has not been reported in the literature in individuals affected with MSH6-related conditions. Advanced modeling of protein sequence and biophysical properties (such as structural, functional, and spatial information, amino acid conservation, physicochemical variation, residue mobility, and thermodynamic stability) performed at Invitae indicates that this missense variant is not expected to disrupt MSH6 protein function with a negative predictive value of 95%. In summary, the available evidence is currently insufficient to determine the role of this variant in disease. Therefore, it has been classified as a Variant of Uncertain Significance.